The following is an entry in ClinVar:

ClinVar aggregate classification (germline): Uncertain significance (1 of 4 stars; one submission).

Conditions:
Cardiomyopathy (CMYO). Also called: Cardiomyopathies. Identifiers: Orphanet 167848, MedGen C0878544, MONDO:0004994, HP:0001638. Inheritance: Various modes of inheritance.

Submission:

Color Diagnostics, LLC DBA Color Health
Classification: Uncertain significance for Cardiomyopathy. Last evaluated: 2025-06-03. Review status: criteria provided, single submitter. Criteria: ACMG Guidelines, 2015. Collection method: clinical testing. Allele origin: germline.
Comment: This variant deletes 1 nucleotide in exon 80 of the RYR2 gene, creating a frameshift and premature translation stop signal. This variant is expected to result in an absent or non-functional protein product. To our knowledge, this variant has not been reported in individuals affected with RYR2-related disorders in the literature. This variant has not been identified in the general population by the Genome Aggregation Database (gnomAD). Loss of RYR2 gene function due to truncation variants is not a known disease mechanism for RYR2-related cardiovascular disorders. The available evidence is insufficient to determine the role of this variant in disease conclusively. Therefore, this variant is classified as a Variant of Uncertain Significance.

NM_001035.3(RYR2):c.11142del (p.Phe3714fs)

Gene: RYR2 (ryanodine receptor 2; plus strand). Cytogenetic location: 1q43.
Variant type: Deletion.
Coding change: c.11142del on transcript NM_001035.3 (MANE Select); coding-DNA position 11142, one base deleted (T; older notation c.11142delT).
Protein change: p.Phe3714fs; shifts the reading frame from phenylalanine 3714.
Molecular consequence: frameshift variant.
Genome position (GRCh38, 1-based): chr1:237,742,346, T deleted; the last of 4 consecutive T bases (chr1:237,742,343-237,742,346); deleting any one gives the same sequence. VCF-style (leftmost placement, unchanged base first): chr1-237742342-GT-G. GRCh37 (hg19) VCF-style: chr1-237905642-GT-G.
Other names: short protein forms F3714fs.
Identifiers: ClinVar variation 4758737 (VCV004758737.1).